The following is an entry in ClinVar:

NM_001267550.2(TTN):c.40787-10C>T

Gene: TTN (titin; minus strand). Cytogenetic location: 2q31.2.
Variant type: single nucleotide variant.
Coding change: c.40787-10C>T on transcript NM_001267550.2 (MANE Select); 10 bases into the intron before coding-DNA position 40787, C replaced by T.
Molecular consequence: intron variant.
Genome position (GRCh38, 1-based): chr2:178,639,798, G>A on the plus strand (C>T on the coding strand, the complement: TTN is on the minus strand). VCF-style: chr2-178639798-G-A. GRCh37 (hg19) VCF-style: chr2-179504525-G-A.
Other names: c.13592-10C>T (NM_003319.4); c.14168-10C>T (NM_133437.4); c.13967-10C>T (NM_133432.3); c.33083-10C>T (NM_133378.4); c.35864-10C>T (NM_001256850.1).
Identifiers: ClinVar variation 3031925 (VCV003031925.4), dbSNP rs778060283, ClinGen allele CA1996375.

ClinVar aggregate classification (germline): Likely benign. Review status: criteria provided, single submitter (1 of 4 stars). 2 submissions from 2 submitters: Likely benign (1). 1 of the submissions does not count toward it. Last evaluated 2024-10-20.

Conditions:
TTN-related disorder. Also called: TTN-related condition; TTN-related disease; TTN-related disorders.
Dilated cardiomyopathy 1G (CMD1G). Identifiers: Orphanet 154, MedGen C1858763, MONDO:0011400, OMIM 604145.
Autosomal recessive limb-girdle muscular dystrophy type 2J (LGMDR10). Also called: Limb-girdle muscular dystrophy, type 2J; MUSCULAR DYSTROPHY, LIMB-GIRDLE, AUTOSOMAL RECESSIVE 10. Identifiers: Orphanet 140922, MedGen C1837342, MONDO:0012127, OMIM 608807.

Allele frequency attached by ClinVar (database versions not stated): gnomAD exomes 0.00001; ExAC 0.00002.
gnomAD v4.1: 14 of 1,573,406 alleles (0.00089%); highest among the groups gnomAD compares: South Asian, 0.012%; no homozygotes.

Submissions (2):

Labcorp Genetics (formerly Invitae), Labcorp
Classification: Likely benign for Dilated cardiomyopathy 1G; Autosomal recessive limb-girdle muscular dystrophy type 2J. Last evaluated: 2024-10-20. Review status: criteria provided, single submitter. Criteria: Invitae Variant Classification Sherloc (09022015). Collection method: clinical testing. Allele origin: germline.

PreventionGenetics, part of Exact Sciences
Classification: Likely benign for TTN-related condition. Last evaluated: 2023-10-17. Review status: no assertion criteria provided. Collection method: clinical testing. Allele origin: germline. Not counted in ClinVar's aggregate classification.
Comment: This variant is classified as likely benign based on ACMG/AMP sequence variant interpretation guidelines (Richards et al. 2015 PMID: 25741868, with internal and published modifications).